The following is an entry in ClinVar:

ClinVar aggregate classification (germline): Pathogenic/Likely pathogenic. Review status: criteria provided, multiple submitters, no conflicts (2 of 4 stars). 4 submissions from 4 submitters: Pathogenic (3); Likely pathogenic (1). Last evaluated 2024-04-16.

Conditions:
CFTR-related disorder (CFTR-RD). Also called: CFTR-related disorders; CFTR-related condition. Identifiers: MedGen C5924204, MONDO:7770004.
Cystic fibrosis (CF). Also called: MUCOVISCIDOSIS. Identifiers: Orphanet 586, MedGen C0010674, MONDO:0009061, OMIM 219700. Disease mechanism: loss of function.
Bronchiectasis with or without elevated sweat chloride 1 (BESC1). Also called: Cystic Fibrosis-Like Syndrome. Identifiers: Orphanet 60033, MedGen C2749757, MONDO:0008887, OMIM 211400.

Submissions (4):

Women's Health and Genetics/Laboratory Corporation of America, LabCorp
Classification: Pathogenic for Cystic fibrosis. Last evaluated: 2024-04-16. Review status: criteria provided, single submitter. Criteria: LabCorp Variant Classification Summary - May 2015. Collection method: clinical testing. Allele origin: germline.
Comment: Variant summary: CFTR c.308delG (p.Gly103GlufsX4) results in a premature termination codon, predicted to cause absence of the protein due to nonsense mediated decay, which is a commonly known mechanism for disease. The variant was absent in 251112 control chromosomes (gnomAD). To our knowledge, no occurrence of c.308delG in individuals affected with Cystic Fibrosis and no experimental evidence demonstrating its impact on protein function have been reported. ClinVar contains an entry for this variant (Variation ID: 1704259). Based on the evidence outlined above, the variant was classified as pathogenic.

Baylor Genetics
Classification: Likely pathogenic for Bronchiectasis with or without elevated sweat chloride 1. Last evaluated: 2023-03-23. Review status: criteria provided, single submitter. Criteria: ACMG Guidelines, 2015. Collection method: clinical testing. Allele origin: unknown.

Labcorp Genetics (formerly Invitae), Labcorp
Classification: Pathogenic for Cystic fibrosis. Last evaluated: 2023-01-17. Review status: criteria provided, single submitter. Criteria: Invitae Variant Classification Sherloc (09022015). Collection method: clinical testing. Allele origin: germline.
Comment: For these reasons, this variant has been classified as Pathogenic. ClinVar contains an entry for this variant (Variation ID: 1704259). This premature translational stop signal has been observed in individual(s) with chronic pancreatitis (PMID: 19453252). This variant is not present in population databases (gnomAD no frequency). This sequence change creates a premature translational stop signal (p.Gly103Glufs*4) in the CFTR gene. It is expected to result in an absent or disrupted protein product. Loss-of-function variants in CFTR are known to be pathogenic (PMID: 1695717, 7691345, 9725922).

CFTR-France
Classification: Pathogenic for cystic fibrosis; CFTR-related disorders. Last evaluated: 2021-09-20. Review status: criteria provided, single submitter. Criteria: Claustres M et al. (Hum Mutat 2017). Collection method: curation. Allele origin: germline. Affected: yes.
Comment: the variant causes a phenotype but regarding our data, we can't formally attribute it to CF, CFTR-RD or both

Literature cited by the submitters: PubMed 19453252 (cited by Labcorp Genetics (formerly Invitae), Labcorp); PubMed 1695717 (cited by Labcorp Genetics (formerly Invitae), Labcorp); PubMed 7691345 (cited by Labcorp Genetics (formerly Invitae), Labcorp); PubMed 9725922 (cited by Labcorp Genetics (formerly Invitae), Labcorp).

NM_000492.4(CFTR):c.308del (p.Gly103fs)

Gene: CFTR (CF transmembrane conductance regulator; plus strand). Cytogenetic location: 7q31.2.
Variant type: Deletion.
Coding change: c.308del on transcript NM_000492.4 (MANE Select); coding-DNA position 308, one base deleted (G; older notation c.308delG).
Protein change: p.Gly103fs; shifts the reading frame from glycine 103.
Molecular consequence: frameshift variant.
Genome position (GRCh38, 1-based): chr7:117,530,933, G deleted; the last of 3 consecutive G bases (chr7:117,530,931-117,530,933); deleting any one gives the same sequence. VCF-style (leftmost placement, unchanged base first): chr7-117530930-TG-T. GRCh37 (hg19) VCF-style: chr7-117170984-TG-T.
Other names: c.308delG (NM_000492.4); short protein forms G103fs.
Identifiers: ClinVar variation 1704259 (VCV001704259.6), dbSNP rs1798849948, ClinGen allele CA1737359204.